The following is an entry in ClinVar:

ClinVar aggregate classification (germline): Likely benign (1 of 4 stars; one submission).

Submission:

CeGaT Center for Human Genetics Tuebingen
Classification: Likely benign. Last evaluated: 2025-05-01. Review status: criteria provided, single submitter. Criteria: CeGaT Center For Human Genetics Tuebingen Variant Classification Criteria Version 2. Collection method: clinical testing. Allele origin: germline. Affected: yes. Observed: 1 variant allele.
Comment: KRR1: BP4, BS2

NM_007043.7(KRR1):c.394-19_394-8dup

Gene: KRR1 (KRR1 small subunit processome component; minus strand). Cytogenetic location: 12q21.2.
Variant type: Duplication.
Coding change: c.394-19_394-8dup on transcript NM_007043.7 (MANE Select); 19 bases into the intron before coding-DNA position 394 through 8 bases into the intron before coding-DNA position 394, 12 bases duplicated (TTTTTTTTTTTT).
Molecular consequence: intron variant.
Genome position (GRCh38, 1-based): chr12:75,506,617-75,506,628, AAAAAAAAAAAA duplicated on the plus strand (TTTTTTTTTTTT on the coding strand, the reverse complement: KRR1 is on the minus strand); duplicating any 12 consecutive bases within chr12:75,506,617-75,506,633 gives the same sequence; the c. name uses the placement nearest the transcript's 3' end. VCF-style (leftmost placement, unchanged base first): chr12-75506616-C-CAAAAAAAAAAAA. GRCh37 (hg19) VCF-style: chr12-75900396-C-CAAAAAAAAAAAA.
Identifiers: ClinVar variation 3905284 (VCV003905284.10).